The following is an entry in ClinVar:

NM_000465.4(BARD1):c.364+4A>G

Gene: BARD1 (BRCA1 associated RING domain 1; minus strand). Cytogenetic location: 2q35.
Variant type: single nucleotide variant.
Coding change: c.364+4A>G on transcript NM_000465.4 (MANE Select); 4 bases into the intron after coding-DNA position 364, A replaced by G.
Molecular consequence: intron variant.
Genome position (GRCh38, 1-based): chr2:214,792,293, T>C on the plus strand (A>G on the coding strand, the complement: BARD1 is on the minus strand). VCF-style: chr2-214792293-T-C. GRCh37 (hg19) VCF-style: chr2-215657017-T-C.
Other names: c.158+17119A>G (NM_001282548.2); c.307+4A>G (NM_001282543.2); c.215+4768A>G (NM_001282545.2); c.364+4A>G (NM_001282549.2).
Identifiers: ClinVar variation 1733509 (VCV001733509.2), dbSNP rs2106134386, ClinGen allele CA2580065591.

ClinVar aggregate classification (germline): Uncertain significance (1 of 4 stars; one submission).

Conditions:
Hereditary cancer-predisposing syndrome. Also called: Neoplastic Syndromes, Hereditary; Tumor predisposition; Hereditary Cancer Syndrome; Hereditary neoplastic syndrome. Identifiers: Orphanet 140162, MedGen C0027672, MeSH D009386, MONDO:0015356.

Allele frequency attached by ClinVar (database versions not stated): gnomAD exomes below 0.00001.
gnomAD v4.1: 1 of 1,613,250 alleles (0.000062%); highest among the groups gnomAD compares: South Asian, 0.0011%; no homozygotes.

Submission:

Ambry Genetics
Classification: Uncertain significance for Hereditary cancer-predisposing syndrome. Last evaluated: 2022-01-10. Review status: criteria provided, single submitter. Criteria: Ambry Variant Classification Scheme 2023. Collection method: clinical testing. Allele origin: germline.
Comment: The c.364+4A>G intronic variant results from an A to G substitution 4 nucleotides after coding exon 3 in the BARD1 gene. This nucleotide position is highly conserved in available vertebrate species. In silico splice site analysis predicts that this alteration will not have any significant effect on splicing. Since supporting evidence is limited at this time, the clinical significance of this alteration remains unclear.